The following is an entry in ClinVar:

NM_005559.4(LAMA1):c.2323G>A (p.Gly775Ser)

Gene: LAMA1 (laminin subunit alpha 1; minus strand). Cytogenetic location: 18p11.31.
Variant type: single nucleotide variant.
Coding change: c.2323G>A on transcript NM_005559.4 (MANE Select); coding-DNA position 2323, G replaced by A.
Protein change: p.Gly775Ser; replaces glycine 775 with serine.
Molecular consequence: missense variant.
Genome position (GRCh38, 1-based): chr18:7,026,058, C>T on the plus strand (G>A on the coding strand, the complement: LAMA1 is on the minus strand). VCF-style: chr18-7026058-C-T. GRCh37 (hg19) VCF-style: chr18-7026057-C-T.
Other names: c.2323G>A (NM_005559.3); short protein forms G775S.
Identifiers: ClinVar variation 1365082 (VCV001365082.9), dbSNP rs28369373, ClinGen allele CA8882682.

ClinVar aggregate classification (germline): Uncertain significance. Review status: criteria provided, multiple submitters, no conflicts (2 of 4 stars). 5 submissions from 5 submitters: Uncertain significance (5). Last evaluated 2026-01-10.

Conditions:
Ataxia - intellectual disability - oculomotor apraxia - cerebellar cysts syndrome. Also called: Poretti-Boltshauser syndrome. Identifiers: Orphanet 370022, MedGen C4014821, MONDO:0014419, OMIM 615960.
Inborn genetic diseases. Identifiers: MedGen C0950123, MeSH D030342.

Allele frequency attached by ClinVar (database versions not stated): ExAC 0.00029; TOPMed 0.00039; 1000 Genomes Project 30x 0.00078; 1000 Genomes Project 0.00080; gnomAD exomes 0.00018; ESP Exome Variant Server 0.00023; gnomAD 0.00026 and 0.00028.
gnomAD v4.1: 183 of 1,610,516 alleles (0.011%); highest among the groups gnomAD compares: African/African-American, 0.064%; 1 homozygote.

Submissions (5):

GeneDx
Classification: Uncertain significance. Last evaluated: 2026-01-10. Review status: criteria provided, single submitter. Criteria: GeneDx Variant Classification Process June 2021. Collection method: clinical testing. Allele origin: germline.
Comment: In silico analysis supports that this missense variant has a deleterious effect on protein structure/function; Has not been previously published as pathogenic or benign to our knowledge

Labcorp Genetics (formerly Invitae), Labcorp
Classification: Uncertain significance. Last evaluated: 2024-10-18. Review status: criteria provided, single submitter. Criteria: Invitae Variant Classification Sherloc (09022015). Collection method: clinical testing. Allele origin: germline.
Comment: This sequence change replaces glycine, which is neutral and non-polar, with serine, which is neutral and polar, at codon 775 of the LAMA1 protein (p.Gly775Ser). This variant is present in population databases (rs28369373, gnomAD 0.08%). This variant has not been reported in the literature in individuals affected with LAMA1-related conditions. ClinVar contains an entry for this variant (Variation ID: 1365082). An algorithm developed to predict the effect of missense changes on protein structure and function (PolyPhen-2) suggests that this variant is likely to be disruptive. In summary, the available evidence is currently insufficient to determine the role of this variant in disease. Therefore, it has been classified as a Variant of Uncertain Significance.

Blueprint Genetics
Classification: Uncertain significance. Last evaluated: 2024-08-21. Review status: criteria provided, single submitter. Criteria: ACMG Guidelines, 2015. Collection method: clinical testing. Allele origin: germline.

Fulgent Genetics
Classification: Uncertain significance for Ataxia - intellectual disability - oculomotor apraxia - cerebellar cysts syndrome. Last evaluated: 2021-10-26. Review status: criteria provided, single submitter. Criteria: ACMG Guidelines, 2015. Collection method: clinical testing. Allele origin: unknown.

Ambry Genetics
Classification: Uncertain significance for Inborn genetic diseases. Last evaluated: 2021-07-14. Review status: criteria provided, single submitter. Criteria: Ambry Variant Classification Scheme 2023. Collection method: clinical testing. Allele origin: germline.